The following is an entry in ClinVar:

ClinVar aggregate classification (germline): Uncertain significance (1 of 4 stars; one submission).

Allele frequency attached by ClinVar (database versions not stated): gnomAD exomes 0.00001; gnomAD 0.00002; ExAC 0.00003; TOPMed 0.00003; 1000 Genomes Project 30x 0.00016; 1000 Genomes Project 0.00020.
gnomAD v4.1: 19 of 1,613,886 alleles (0.0012%); highest among the groups gnomAD compares: East Asian, 0.02%; no homozygotes.

Submission:

Labcorp Genetics (formerly Invitae), Labcorp
Classification: Uncertain significance. Last evaluated: 2022-08-16. Review status: criteria provided, single submitter. Criteria: Invitae Variant Classification Sherloc (09022015). Collection method: clinical testing. Allele origin: germline.
Comment: This sequence change replaces methionine, which is neutral and non-polar, with valine, which is neutral and non-polar, at codon 2531 of the CDH23 protein (p.Met2531Val). This variant is present in population databases (rs569138025, gnomAD 0.02%). This variant has not been reported in the literature in individuals affected with CDH23-related conditions. Algorithms developed to predict the effect of missense changes on protein structure and function are either unavailable or do not agree on the potential impact of this missense change (SIFT: "Deleterious"; PolyPhen-2: "Not Available"; Align-GVGD: "Class C0"). In summary, the available evidence is currently insufficient to determine the role of this variant in disease. Therefore, it has been classified as a Variant of Uncertain Significance.

NM_022124.6(CDH23):c.7591A>G (p.Met2531Val)

Gene: CDH23 (cadherin related 23; plus strand). Cytogenetic location: 10q22.1.
Variant type: single nucleotide variant.
Coding change: c.7591A>G on transcript NM_022124.6 (MANE Select); coding-DNA position 7591, A replaced by G.
Protein change: p.Met2531Val; replaces methionine 2531 with valine.
Molecular consequence: missense variant.
Genome position (GRCh38, 1-based): chr10:71,803,006, A>G. VCF-style: chr10-71803006-A-G. GRCh37 (hg19) VCF-style: chr10-73562763-A-G.
Other names: c.871A>G, p.Met291Val (NM_001171933.1, NM_001171934.1); short protein forms M291V, M2531V.
Identifiers: ClinVar variation 2150627 (VCV002150627.1), dbSNP rs569138025, ClinGen allele CA5546385.